The following is an entry in ClinVar:

NM_012082.4(ZFPM2):c.1186G>A (p.Asp396Asn)

Genes: ZFPM2-AS1 (ZFPM2 antisense RNA 1; minus strand), ZFPM2 (zinc finger protein, FOG family member 2; plus strand). Cytogenetic location: 8q23.1.
Variant type: single nucleotide variant.
Coding change: c.1186G>A on transcript NM_012082.4 (MANE Select); coding-DNA position 1186, G replaced by A.
Protein change: p.Asp396Asn; replaces aspartic acid 396 with asparagine.
Molecular consequence: missense variant.
Genome position (GRCh38, 1-based): chr8:105,801,268, G>A. VCF-style: chr8-105801268-G-A. GRCh37 (hg19) VCF-style: chr8-106813496-G-A.
Other names: c.1186G>A (NM_012082.3); c.1027G>A, p.Asp343Asn (NM_001362836.2); c.790G>A, p.Asp264Asn (NM_001362837.2); short protein forms D343N, D264N, D396N.
Identifiers: ClinVar variation 2770632 (VCV002770632.5), dbSNP rs1392344120, ClinGen allele CA371948815.

ClinVar aggregate classification (germline): Uncertain significance. Review status: criteria provided, single submitter (1 of 4 stars). 2 submissions from 2 submitters: Uncertain significance (1). 1 of the submissions does not count toward it. Last evaluated 2023-06-23.

Conditions:
ZFPM2-related disorder. Also called: ZFPM2-related condition.
46,XY sex reversal 9 (SRXY9). Also called: 46,XY SEX REVERSAL, ZFPM2-RELATED. Identifiers: Orphanet 251510, MedGen C4015129, MONDO:0014480, OMIM 616067.

Allele frequency attached by ClinVar (database versions not stated): gnomAD 0.00001; gnomAD exomes 0.00001.
gnomAD v4.1: 23 of 1,613,786 alleles (0.0014%); highest among the groups gnomAD compares: Non-Finnish European, 0.0015%; no homozygotes.

Submissions (2):

Labcorp Genetics (formerly Invitae), Labcorp
Classification: Uncertain significance for 46,XY sex reversal 9. Last evaluated: 2023-06-23. Review status: criteria provided, single submitter. Criteria: Invitae Variant Classification Sherloc (09022015). Collection method: clinical testing. Allele origin: germline.
Comment: This variant is present in population databases (no rsID available, gnomAD 0.0009%). This sequence change replaces aspartic acid, which is acidic and polar, with asparagine, which is neutral and polar, at codon 396 of the ZFPM2 protein (p.Asp396Asn). This variant has not been reported in the literature in individuals affected with ZFPM2-related conditions. In summary, the available evidence is currently insufficient to determine the role of this variant in disease. Therefore, it has been classified as a Variant of Uncertain Significance. An algorithm developed to predict the effect of missense changes on protein structure and function (PolyPhen-2) suggests that this variant is likely to be tolerated.

PreventionGenetics, part of Exact Sciences
Classification: Uncertain significance for ZFPM2-related condition. Last evaluated: 2023-10-23. Review status: no assertion criteria provided. Collection method: clinical testing. Allele origin: germline. Not counted in ClinVar's aggregate classification.
Comment: The ZFPM2 c.1186G>A variant is predicted to result in the amino acid substitution p.Asp396Asn. To our knowledge, this variant has not been reported in the literature. This variant is reported in 0.0065% of alleles in individuals of African descent in gnomAD. At this time, the clinical significance of this variant is uncertain due to the absence of conclusive functional and genetic evidence.